The following is an entry in ClinVar:

NM_001378609.3(OTOGL):c.7044T>C (p.Cys2348=)

Gene: OTOGL (otogelin like; plus strand). Cytogenetic location: 12q21.31.
Variant type: single nucleotide variant.
Coding change: c.7044T>C on transcript NM_001378609.3 (MANE Select); coding-DNA position 7044, T replaced by C.
Protein change: p.Cys2348=; no amino-acid change (cysteine 2348 retained).
Molecular consequence: synonymous variant.
Genome position (GRCh38, 1-based): chr12:80,378,030, T>C. VCF-style: chr12-80378030-T-C. GRCh37 (hg19) VCF-style: chr12-80771810-T-C.
Other names: c.6909T>C, p.Cys2303= (NM_001368062.3); c.7044T>C, p.Cys2348= (NM_001378610.3, NM_173591.7).
Identifiers: ClinVar variation 1643358 (VCV001643358.16), dbSNP rs368328410, ClinGen allele CA6702218.
Genomic context (GRCh38, chr12:80,378,030, plus strand): 5'-TCTGTATTGCTCAGGAAATGGCACTGAAATTATGTACACTCTCCAGGAACCCATAGACTG[T>C]ACGTGCCAGTGGAATTAAACCCTTGGGTTCCAAGAGCTCTATACAACATCATAACGTCAG-3'
Protein context (NP_001365538.2, residues 2338-2353): IMYTLQEPID[Cys2348=]TCQWN

ClinVar aggregate classification (germline): Likely benign. Review status: criteria provided, multiple submitters, no conflicts (2 of 4 stars). 3 submissions from 3 submitters: Likely benign (3). Last evaluated 2025-02-01.

Allele frequency attached by ClinVar (database versions not stated): ExAC 0.00002; gnomAD 0.00002; TOPMed 0.00003; gnomAD exomes 0.00004 and 0.00005; ESP Exome Variant Server 0.00008.
gnomAD v4.1: 52 of 1,582,104 alleles (0.0033%); highest among the groups gnomAD compares: Non-Finnish European, 0.0042%; no homozygotes.

Submissions (3):

CeGaT Center for Human Genetics Tuebingen
Classification: Likely benign. Last evaluated: 2025-02-01. Review status: criteria provided, single submitter. Criteria: CeGaT Center For Human Genetics Tuebingen Variant Classification Criteria Version 2. Collection method: clinical testing. Allele origin: germline. Affected: yes. Observed: 1 variant allele.
Comment: OTOGL: BP4, BP7

Labcorp Genetics (formerly Invitae), Labcorp
Classification: Likely benign. Last evaluated: 2024-10-24. Review status: criteria provided, single submitter. Criteria: Invitae Variant Classification Sherloc (09022015). Collection method: clinical testing. Allele origin: germline.

Blueprint Genetics
Classification: Likely benign. Last evaluated: 2024-10-03. Review status: criteria provided, single submitter. Criteria: ACMG Guidelines, 2015. Collection method: clinical testing. Allele origin: germline.